The following is an entry in ClinVar:

ClinVar aggregate classification (germline): Conflicting classifications of pathogenicity. Review status: criteria provided, conflicting classifications (1 of 4 stars). 3 submissions from 3 submitters: Uncertain significance (1); Likely benign (2). Last evaluated 2025-08-21.

Conditions:
TRPM1-related disorder. Also called: TRPM1-related condition.

Allele frequency attached by ClinVar (database versions not stated): TOPMed 0.00004; ExAC 0.00012.
gnomAD v4.1: 66 of 1,614,206 alleles (0.0041%); highest among the groups gnomAD compares: East Asian, 0.13%; no homozygotes.

Submissions (3):

Labcorp Genetics (formerly Invitae), Labcorp
Classification: Likely benign. Last evaluated: 2025-08-21. Review status: criteria provided, single submitter. Criteria: Invitae Variant Classification Sherloc (09022015). Collection method: clinical testing. Allele origin: germline.

PreventionGenetics, part of Exact Sciences
Classification: Likely benign for TRPM1-related condition. Last evaluated: 2024-11-04. Review status: criteria provided, single submitter. Criteria: ACMG Guidelines, 2015. Collection method: clinical testing. Allele origin: germline.
Comment: This variant is classified as likely benign based on ACMG/AMP sequence variant interpretation guidelines (Richards et al. 2015 PMID: 25741868, with internal and published modifications).

Blueprint Genetics
Classification: Uncertain significance. Last evaluated: 2023-07-13. Review status: criteria provided, single submitter. Criteria: ACMG Guidelines, 2015. Collection method: clinical testing. Allele origin: germline.

NM_001252024.2(TRPM1):c.2473G>C (p.Asp825His)

Gene: TRPM1 (transient receptor potential cation channel subfamily M member 1; minus strand). Cytogenetic location: 15q13.3.
Variant type: single nucleotide variant.
Coding change: c.2473G>C on transcript NM_001252024.2 (MANE Select); coding-DNA position 2473, G replaced by C.
Protein change: p.Asp825His; replaces aspartic acid 825 with histidine.
Molecular consequence: missense variant.
Genome position (GRCh38, 1-based): chr15:31,037,809, C>G on the plus strand (G>C on the coding strand, the complement: TRPM1 is on the minus strand). VCF-style: chr15-31037809-C-G. GRCh37 (hg19) VCF-style: chr15-31330012-C-G.
Other names: c.2524G>C (NM_001252020.1); c.2524G>C, p.Asp842His (NM_001252020.2); c.2407G>C, p.Asp803His (NM_002420.6); short protein forms D842H, D803H, D825H.
Identifiers: ClinVar variation 1457331 (VCV001457331.11), dbSNP rs771110434, ClinGen allele CA7452181.